The following is an entry in ClinVar:

ClinVar aggregate classification (germline): Uncertain significance. Review status: criteria provided, multiple submitters, no conflicts (2 of 4 stars). 2 submissions from 2 submitters: Uncertain significance (2). Last evaluated 2025-08-30.

Conditions:
Cardiovascular phenotype. Identifiers: MedGen CN230736.
Dilated cardiomyopathy 1W (CMD1W). Identifiers: Orphanet 154, MedGen C1969639, MONDO:0012667, OMIM 611407.

Allele frequency attached by ClinVar (database versions not stated): gnomAD exomes below 0.00001.
gnomAD v4.1: 1 of 1,612,668 alleles (0.000062%); highest among the groups gnomAD compares: Non-Finnish European, 0.000085%; no homozygotes.

Submissions (2):

Labcorp Genetics (formerly Invitae), Labcorp
Classification: Uncertain significance for Dilated cardiomyopathy 1W. Last evaluated: 2025-08-30. Review status: criteria provided, single submitter. Criteria: Invitae Variant Classification Sherloc (09022015). Collection method: clinical testing. Allele origin: germline.
Comment: This sequence change replaces isoleucine, which is neutral and non-polar, with threonine, which is neutral and polar, at codon 79 of the VCL protein (p.Ile79Thr). This variant is not present in population databases (gnomAD no frequency). This variant has not been reported in the literature in individuals affected with VCL-related conditions. ClinVar contains an entry for this variant (Variation ID: 1718908). An algorithm developed to predict the effect of missense changes on protein structure and function (PolyPhen-2) suggests that this variant is likely to be tolerated. In summary, the available evidence is currently insufficient to determine the role of this variant in disease. Therefore, it has been classified as a Variant of Uncertain Significance.

Ambry Genetics
Classification: Uncertain significance for Cardiovascular phenotype. Last evaluated: 2025-07-31. Review status: criteria provided, single submitter. Criteria: Ambry Variant Classification Scheme 2023. Collection method: clinical testing. Allele origin: germline.

NM_014000.3(VCL):c.236T>C (p.Ile79Thr)

Gene: VCL (vinculin; plus strand). Cytogenetic location: 10q22.2.
Variant type: single nucleotide variant.
Coding change: c.236T>C on transcript NM_014000.3 (MANE Select); coding-DNA position 236, T replaced by C.
Protein change: p.Ile79Thr; replaces isoleucine 79 with threonine.
Molecular consequence: missense variant.
Genome position (GRCh38, 1-based): chr10:74,043,150, T>C. VCF-style: chr10-74043150-T-C. GRCh37 (hg19) VCF-style: chr10-75802908-T-C.
Other names: c.236T>C, p.Ile79Thr (NM_003373.4); short protein forms I79T.
Identifiers: ClinVar variation 1718908 (VCV001718908.7), dbSNP rs2549198976, ClinGen allele CA377260286.